The following is an entry in ClinVar:

NM_005045.4(RELN):c.8086G>A (p.Ala2696Thr)

Gene: RELN (reelin; minus strand). Cytogenetic location: 7q22.1.
Variant type: single nucleotide variant.
Coding change: c.8086G>A on transcript NM_005045.4 (MANE Select); coding-DNA position 8086, G replaced by A.
Protein change: p.Ala2696Thr; replaces alanine 2696 with threonine.
Molecular consequence: missense variant.
Genome position (GRCh38, 1-based): chr7:103,515,218, C>T on the plus strand (G>A on the coding strand, the complement: RELN is on the minus strand). VCF-style: chr7-103515218-C-T. GRCh37 (hg19) VCF-style: chr7-103155665-C-T.
Other names: p.Ala2696Thr; c.8086G>A, p.Ala2696Thr (NM_173054.3); short protein forms A2696T.
Identifiers: ClinVar variation 130143 (VCV000130143.27), dbSNP rs115640958, ClinGen allele CA154943.

ClinVar aggregate classification (germline): Benign/Likely benign. Review status: criteria provided, multiple submitters, no conflicts (2 of 4 stars). 10 submissions from 10 submitters: Benign (8); Likely benign (1). 1 of the submissions does not count toward it. Last evaluated 2026-01-27.

Conditions:
Epilepsy, familial temporal lobe, 1. Identifiers: Orphanet 101046, MedGen CN030884, MONDO:0700090, OMIM 600512.
Norman-Roberts syndrome (LIS2). Also called: Lissencephaly 2 (Norman-Roberts type). Identifiers: Orphanet 89844, MedGen C0796089, MONDO:0009760, OMIM 257320.
Familial temporal lobe epilepsy 7. Identifiers: Orphanet 101046, MedGen C4225327, MONDO:0014639, OMIM 616436.

Allele frequency attached by ClinVar (database versions not stated): gnomAD exomes 0.00107 and 0.00282; ExAC 0.00366; gnomAD 0.01130 and 0.01215; ESP Exome Variant Server 0.01215; TOPMed 0.01273; 1000 Genomes Project 0.01338; 1000 Genomes Project 30x 0.01546.
gnomAD v4.1: 3,347 of 1,614,142 alleles (0.21%); highest among the groups gnomAD compares: African/African-American, 4%; 52 homozygotes.

Submissions (10):

Labcorp Genetics (formerly Invitae), Labcorp
Classification: Benign for Familial temporal lobe epilepsy 7; Norman-Roberts syndrome. Last evaluated: 2026-01-27. Review status: criteria provided, single submitter. Criteria: Invitae Variant Classification Sherloc (09022015). Collection method: clinical testing. Allele origin: germline.

Athena Diagnostics
Classification: Benign. Last evaluated: 2025-03-10. Review status: criteria provided, single submitter. Criteria: Athena Diagnostics Criteria. Collection method: clinical testing. Allele origin: unknown.
Comment: The frequency of this variant in the general population is higher than would generally be expected for pathogenic variants in this gene.

Fulgent Genetics
Classification: Likely benign for Norman-Roberts syndrome; Epilepsy, familial temporal lobe, 1; Familial temporal lobe epilepsy 7. Last evaluated: 2021-11-23. Review status: criteria provided, single submitter. Criteria: ACMG Guidelines, 2015. Collection method: clinical testing. Allele origin: unknown.

Mayo Clinic Laboratories, Mayo Clinic
Classification: Benign. Last evaluated: 2018-12-10. Review status: criteria provided, single submitter. Criteria: ACMG Guidelines, 2015. Collection method: clinical testing. Allele origin: germline. Observed: 3 variant alleles.

Illumina Laboratory Services, Illumina
Classification: Benign for Norman-Roberts syndrome. Last evaluated: 2018-01-12. Review status: criteria provided, single submitter. Criteria: ICSL Variant Classification Criteria 13 December 2019. Collection method: clinical testing. Allele origin: germline.
Comment: This variant was observed in the ICSL laboratory as part of a predisposition screen in an ostensibly healthy population. It had not been previously curated by ICSL or reported in the Human Gene Mutation Database (HGMD: prior to June 1st, 2018), and was therefore a candidate for classification through an automated scoring system. Utilizing variant allele frequency, disease prevalence and penetrance estimates, and inheritance mode, an automated score was calculated to assess if this variant is too frequent to cause the disease. Based on the score and internal cut-off values, a variant classified as benign is not then subjected to further curation. The score for this variant resulted in a classification of benign for this disease.

Center for Pediatric Genomic Medicine, Children's Mercy Hospital and Clinics
Classification: Benign. Last evaluated: 2015-08-26. Review status: criteria provided, single submitter. Criteria: ACMG Guidelines, 2015. Collection method: clinical testing. Allele origin: germline.

GeneDx
Classification: Benign. Last evaluated: 2015-03-03. Review status: criteria provided, single submitter. Criteria: GeneDx Variant Classification Process June 2021. Collection method: clinical testing. Allele origin: germline. Affected: yes.

Breakthrough Genomics
Classification: Benign. Review status: criteria provided, single submitter. Criteria: ACMG Guidelines, 2015. Collection method: not provided. Allele origin: germline. Inheritance: Autosomal recessive inheritance. Affected: yes.

PreventionGenetics, part of Exact Sciences
Classification: Benign. Review status: criteria provided, single submitter. Criteria: ACMG Guidelines, 2015. Collection method: clinical testing. Allele origin: germline.

Genetic Services Laboratory, University of Chicago
Classification: Likely benign for AllHighlyPenetrant. Review status: no assertion criteria provided. Collection method: clinical testing. Allele origin: germline. Inheritance: Autosomal recessive inheritance. Not counted in ClinVar's aggregate classification.
Comment: Likely benign based on allele frequency in 1000 Genomes Project or ESP global frequency and its presence in a patient with a rare or unrelated disease phenotype. NOT Sanger confirmed.